The following is an entry in ClinVar:

ClinVar aggregate classification (germline): Conflicting classifications of pathogenicity. Review status: criteria provided, conflicting classifications (1 of 4 stars). 8 submissions from 8 submitters: Uncertain significance (1); Benign (1); Likely benign (3). 3 of the submissions do not count toward it. Last evaluated 2026-04-27.

Conditions:
Hereditary cancer-predisposing syndrome. Also called: Tumor predisposition; Neoplastic Syndromes, Hereditary; Hereditary Cancer Syndrome; Hereditary neoplastic syndrome. Identifiers: Orphanet 140162, MedGen C0027672, MeSH D009386, MONDO:0015356.
Peutz-Jeghers syndrome (PJS). Also called: Peutz-Jeghers polyposis; Periorificial lentiginosis syndrome; POLYPOSIS, HAMARTOMATOUS INTESTINAL; POLYPS-AND-SPOTS SYNDROME. Identifiers: Orphanet 2869, MedGen C0031269, MeSH D010580, MONDO:0008280, OMIM 175200.

Allele frequency attached by ClinVar (database versions not stated): ExAC 0.00033; TOPMed 0.00043; gnomAD exomes 0.00102 and 0.00047; gnomAD 0.00077.
gnomAD v4.1: 1,430 of 1,487,508 alleles (0.096%); highest among the groups gnomAD compares: Non-Finnish European, 0.12%; 2 homozygotes.

Submissions (8):

Institute for Biomarker Research, Medical Diagnostic Laboratories, L.L.C.
Classification: Likely benign for Hereditary cancer-predisposing syndrome. Last evaluated: 2026-04-27. Review status: criteria provided, single submitter. Criteria: ACMG Guidelines, 2015. Collection method: clinical testing. Allele origin: germline.
Comment: The intron variant NM_000455.5(STK11):c.*16+10G>A is not currently classified as pathogenic in clinical sources (Accession: VCV000139341.15). The c.*16+10G>A variant is observed in 1,346/1,123,570 (0.1198%) alleles from individuals of gnomAD v4 EuropeanNonFinnish background in gnomAD v4 All, which is greater than expected for the disorder. The c.*16+10G>A variant is not predicted to disrupt the existing donor splice site 8bp upstream by any splice site algorithm. The c.*16+10G>A variant results in a substitution of a base that is not predicted conserved by GERP++ and PhyloP. For these reasons, this variant has been classified as Likely Benign.

Center for Genomic Medicine, Rigshospitalet, Copenhagen University Hospital
Classification: Likely benign. Last evaluated: 2025-03-04. Review status: criteria provided, single submitter. Criteria: ACMG Guidelines, 2015. Collection method: clinical testing. Allele origin: germline.

Sema4
Classification: Likely benign for Hereditary cancer-predisposing syndrome. Last evaluated: 2021-03-15. Review status: criteria provided, single submitter. Criteria: Sema4 Curation Guidelines. Collection method: curation. Allele origin: germline.

Illumina Laboratory Services, Illumina
Classification: Uncertain significance for Peutz-Jeghers syndrome. Last evaluated: 2018-01-12. Review status: criteria provided, single submitter. Criteria: ICSL Variant Classification Criteria 13 December 2019. Collection method: clinical testing. Allele origin: germline.

GeneDx
Classification: Benign. Last evaluated: 2014-01-27. Review status: criteria provided, single submitter. Criteria: GeneDx Variant Classification (06012015). Collection method: clinical testing. Allele origin: germline. Affected: yes.
Comment: This variant is considered likely benign or benign based on one or more of the following criteria: it is a conservative change, it occurs at a poorly conserved position in the protein, it is predicted to be benign by multiple in silico algorithms, and/or has population frequency not consistent with disease.

Clinical Genetics DNA and cytogenetics Diagnostics Lab, Erasmus MC, Erasmus Medical Center
Classification: Likely benign. Review status: no assertion criteria provided. Collection method: clinical testing. Allele origin: germline. Affected: yes. Study: VKGL Data-share Consensus. Not counted in ClinVar's aggregate classification.

Genome Diagnostics Laboratory, Amsterdam University Medical Center
Classification: Benign. Review status: no assertion criteria provided. Collection method: clinical testing. Allele origin: germline. Affected: yes. Study: VKGL Data-share Consensus. Not counted in ClinVar's aggregate classification.

Joint Genome Diagnostic Labs from Nijmegen and Maastricht, Radboudumc and MUMC+
Classification: Likely benign. Review status: no assertion criteria provided. Collection method: clinical testing. Allele origin: germline. Affected: yes. Study: VKGL Data-share Consensus. Not counted in ClinVar's aggregate classification.

NM_000455.5(STK11):c.*16+10G>A

Gene: STK11 (serine/threonine kinase 11; plus strand). Cytogenetic location: 19p13.3.
Variant type: single nucleotide variant.
Coding change: c.*16+10G>A on transcript NM_000455.5 (MANE Select); 10 bases into the intron after 16 bases downstream of the stop codon, G replaced by A.
Molecular consequence: intron variant.
Genome position (GRCh38, 1-based): chr19:1,226,673, G>A. VCF-style: chr19-1226673-G-A. GRCh37 (hg19) VCF-style: chr19-1226672-G-A.
Identifiers: ClinVar variation 139341 (VCV000139341.16), dbSNP rs587781180, ClinGen allele CA022637.